The following is an entry in ClinVar:

NM_004415.4(DSP):c.85G>T (p.Glu29Ter)

Genes: DSP-AS1 (DSP antisense RNA 1; minus strand), DSP (desmoplakin; plus strand). Cytogenetic location: 6p24.3.
Variant type: single nucleotide variant.
Coding change: c.85G>T on transcript NM_004415.4 (MANE Select); coding-DNA position 85, G replaced by T.
Protein change: p.Glu29Ter; replaces glutamic acid 29 with a stop codon.
Molecular consequence: nonsense.
Genome position (GRCh38, 1-based): chr6:7,542,000, G>T. VCF-style: chr6-7542000-G-T. GRCh37 (hg19) VCF-style: chr6-7542233-G-T.
Other names: c.85G>T, p.Glu29Ter (NM_001008844.3, NM_001319034.2); short protein forms E29*.
Identifiers: ClinVar variation 1072843 (VCV001072843.7), dbSNP rs1320349488, ClinGen allele CA362675738.

ClinVar aggregate classification (germline): Pathogenic (1 of 4 stars; one submission).

Conditions:
Arrhythmogenic right ventricular dysplasia 8 (ARVD8). Also called: Arrhythmogenic Right Ventricular Dysplasia/Cardiomyopathy 8; ARRHYTHMOGENIC RIGHT VENTRICULAR DYSPLASIA, FAMILIAL, 8; ARRHYTHMOGENIC RIGHT VENTRICULAR CARDIOMYOPATHY 8. Identifiers: MedGen C1843896, MONDO:0011831, OMIM 607450.
Arrhythmogenic cardiomyopathy with wooly hair and keratoderma. Also called: PALMOPLANTAR KERATODERMA WITH LEFT VENTRICULAR CARDIOMYOPATHY AND WOOLLY HAIR; Carvajal syndrome; Arrhythmogenic cardiomyopathy with woolly hair and keratoderma; Dilated cardiomyopathy with woolly hair and keratoderma. Identifiers: Orphanet 65282, MedGen C1854063, MONDO:0011581, OMIM 605676.

Submission:

Labcorp Genetics (formerly Invitae), Labcorp
Classification: Pathogenic for Arrhythmogenic cardiomyopathy with wooly hair and keratoderma; Arrhythmogenic right ventricular dysplasia 8. Last evaluated: 2018-02-07. Review status: criteria provided, single submitter. Criteria: Invitae Variant Classification Sherloc (09022015). Collection method: clinical testing. Allele origin: germline.
Comment: This sequence change creates a premature translational stop signal (p.Glu29*) in the DSP gene. It is expected to result in an absent or disrupted protein product. This variant is not present in population databases (ExAC no frequency). This variant has not been reported in the literature in individuals with DSP-related disease. Loss-of-function variants in DSP are known to be pathogenic (PMID: 20716751, 24503780, 25227139). For these reasons, this variant has been classified as Pathogenic.

Literature cited by the submitters: PubMed 20716751; PubMed 24503780; PubMed 25227139.